The following is an entry in ClinVar:

ClinVar aggregate classification (germline): Uncertain significance (1 of 4 stars; one submission).

Conditions:
Congenital myasthenic syndrome 8. Also called: MYASTHENIC SYNDROME, CONGENITAL, DUE TO AGRIN DEFICIENCY; Myasthenic syndrome, congenital, 8, with pre- and postsynaptic defects. Identifiers: Orphanet 590, MedGen C3808739, MONDO:0014052, OMIM 615120.

Submission:

Labcorp Genetics (formerly Invitae), Labcorp
Classification: Uncertain significance for Congenital myasthenic syndrome 8. Last evaluated: 2024-02-24. Review status: criteria provided, single submitter. Criteria: Invitae Variant Classification Sherloc (09022015). Collection method: clinical testing. Allele origin: germline.
Comment: This sequence change replaces tryptophan, which is neutral and slightly polar, with arginine, which is basic and polar, at codon 1724 of the AGRN protein (p.Trp1724Arg). This variant is present in population databases (no rsID available, gnomAD 0.007%). This variant has not been reported in the literature in individuals affected with AGRN-related conditions. ClinVar contains an entry for this variant (Variation ID: 1476972). An algorithm developed to predict the effect of missense changes on protein structure and function (PolyPhen-2) suggests that this variant is likely to be disruptive. In summary, the available evidence is currently insufficient to determine the role of this variant in disease. Therefore, it has been classified as a Variant of Uncertain Significance.

NM_198576.4(AGRN):c.5170T>A (p.Trp1724Arg)

Genes: AGRN (agrin; plus strand), LOC129929078 (ATAC-STARR-seq lymphoblastoid silent region 24; plus strand). Cytogenetic location: 1p36.33.
Variant type: single nucleotide variant.
Coding change: c.5170T>A on transcript NM_198576.4 (MANE Select); coding-DNA position 5170, T replaced by A.
Protein change: p.Trp1724Arg; replaces tryptophan 1724 with arginine.
Molecular consequence: missense variant.
Genome position (GRCh38, 1-based): chr1:1,050,754, T>A. VCF-style: chr1-1050754-T-A. GRCh37 (hg19) VCF-style: chr1-986134-T-A.
Other names: c.5170T>A, p.Trp1724Arg (NM_001305275.2); c.4855T>A, p.Trp1619Arg (NM_001364727.2); short protein forms W1619R, W1724R.
Identifiers: ClinVar variation 1476972 (VCV001476972.8), dbSNP rs1448487408, ClinGen allele CA337780961.